The following is an entry in ClinVar:

ClinVar aggregate classification (germline): Uncertain significance (1 of 4 stars; one submission).

gnomAD v4.1: 1 of 1,609,664 alleles (0.000062%); highest among the groups gnomAD compares: Non-Finnish European, 0.000085%; no homozygotes.

Submission:

Labcorp Genetics (formerly Invitae), Labcorp
Classification: Uncertain significance. Last evaluated: 2022-08-09. Review status: criteria provided, single submitter. Criteria: Invitae Variant Classification Sherloc (09022015). Collection method: clinical testing. Allele origin: germline.
Comment: This sequence change replaces glutamine, which is neutral and polar, with histidine, which is basic and polar, at codon 1959 of the CACNA1E protein (p.Gln1959His). This variant is not present in population databases (gnomAD no frequency). This variant has not been reported in the literature in individuals affected with CACNA1E-related conditions. Advanced modeling of protein sequence and biophysical properties (such as structural, functional, and spatial information, amino acid conservation, physicochemical variation, residue mobility, and thermodynamic stability) performed at Invitae indicates that this missense variant is not expected to disrupt CACNA1E protein function. In summary, the available evidence is currently insufficient to determine the role of this variant in disease. Therefore, it has been classified as a Variant of Uncertain Significance.

NM_001205293.3(CACNA1E):c.5877G>T (p.Gln1959His)

Gene: CACNA1E (calcium voltage-gated channel subunit alpha1 E; plus strand). Cytogenetic location: 1q25.3.
Variant type: single nucleotide variant.
Coding change: c.5877G>T on transcript NM_001205293.3 (MANE Select); coding-DNA position 5877, G replaced by T.
Protein change: p.Gln1959His; replaces glutamine 1959 with histidine.
Molecular consequence: missense variant.
Genome position (GRCh38, 1-based): chr1:181,790,535, G>T. VCF-style: chr1-181790535-G-T. GRCh37 (hg19) VCF-style: chr1-181759671-G-T.
Other names: c.5877G>T, p.Gln1959His (NM_000721.4); c.5820G>T, p.Gln1940His (NM_001205294.2); short protein forms Q1940H, Q1959H.
Identifiers: ClinVar variation 1977570 (VCV001977570.5), dbSNP rs2529287029, ClinGen allele CA343632070.